The following is an entry in ClinVar:

NM_001031689.3(PLAA):c.592G>T (p.Ala198Ser)

Gene: PLAA (phospholipase A2 activating protein; minus strand). Cytogenetic location: 9p21.2.
Variant type: single nucleotide variant.
Coding change: c.592G>T on transcript NM_001031689.3 (MANE Select); coding-DNA position 592, G replaced by T.
Protein change: p.Ala198Ser; replaces alanine 198 with serine.
Molecular consequence: missense variant.
Genome position (GRCh38, 1-based): chr9:26,926,534, C>A on the plus strand (G>T on the coding strand, the complement: PLAA is on the minus strand). VCF-style: chr9-26926534-C-A. GRCh37 (hg19) VCF-style: chr9-26926532-C-A.
Other names: c.592G>T, p.Ala198Ser (NM_001321546.2); short protein forms A198S.
Identifiers: ClinVar variation 2184888 (VCV002184888.1), dbSNP rs755724856, ClinGen allele CA5014593.
Genomic context (GRCh38, chr9:26,926,534, plus strand): 5'-GCCACCTTCTAATACTAGCATCATTTGCACAGGAAAGAAATTCTGTTTCACTCAAAATTG[C>A]CAAACCTCTTACACAGTCTTCATGCCCTGCATTAAAAAACAATAATGCAAATCAATAAAA-3'
Protein context (NP_001026859.1, residues 188-208): SGHEDCVRGL[Ala198Ser]ILSETEFLSC

ClinVar aggregate classification (germline): Uncertain significance (1 of 4 stars; one submission).

Allele frequency attached by ClinVar (database versions not stated): ExAC 0.00001; gnomAD 0.00001; gnomAD exomes 0.00001; TOPMed 0.00001.

Submission:

Labcorp Genetics (formerly Invitae), Labcorp
Classification: Uncertain significance. Last evaluated: 2022-06-04. Review status: criteria provided, single submitter. Criteria: Invitae Variant Classification Sherloc (09022015). Collection method: clinical testing. Allele origin: germline.
Comment: This sequence change replaces alanine, which is neutral and non-polar, with serine, which is neutral and polar, at codon 198 of the PLAA protein (p.Ala198Ser). The frequency data for this variant in the population databases is considered unreliable, as metrics indicate poor data quality at this position in the gnomAD database. This variant has not been reported in the literature in individuals affected with PLAA-related conditions. Algorithms developed to predict the effect of missense changes on protein structure and function are either unavailable or do not agree on the potential impact of this missense change (SIFT: "Tolerated"; PolyPhen-2: "Possibly Damaging"; Align-GVGD: "Class C15"). In summary, the available evidence is currently insufficient to determine the role of this variant in disease. Therefore, it has been classified as a Variant of Uncertain Significance.